The following is an entry in ClinVar:

NM_001211.6(BUB1B):c.595C>T (p.Arg199Ter)

Gene: BUB1B (BUB1 mitotic checkpoint serine/threonine kinase B; plus strand). Cytogenetic location: 15q15.1.
Variant type: single nucleotide variant.
Coding change: c.595C>T on transcript NM_001211.6 (MANE Select); coding-DNA position 595, C replaced by T.
Protein change: p.Arg199Ter; replaces arginine 199 with a stop codon.
Molecular consequence: nonsense.
Genome position (GRCh38, 1-based): chr15:40,183,727, C>T. VCF-style: chr15-40183727-C-T. GRCh37 (hg19) VCF-style: chr15-40475928-C-T.
Other names: short protein forms R199*.
Identifiers: ClinVar variation 939671 (VCV000939671.9), dbSNP rs1403423766, ClinGen allele CA391683078.

ClinVar aggregate classification (germline): Pathogenic/Likely pathogenic. Review status: criteria provided, multiple submitters, no conflicts (2 of 4 stars). 2 submissions from 2 submitters: Pathogenic (1); Likely pathogenic (1). Last evaluated 2021-07-18.

Conditions:
Mosaic variegated aneuploidy syndrome 1 (MVA1). Also called: Warburton-Anyane-Yeboa syndrome. Identifiers: Orphanet 1052, MedGen C1850343, MONDO:0009759, OMIM 257300.

Allele frequency attached by ClinVar (database versions not stated): gnomAD exomes below 0.00001 and 0.00001.
gnomAD v4.1: 4 of 1,614,010 alleles (0.00025%); highest among the groups gnomAD compares: South Asian, 0.0011%; no homozygotes.

Submissions (2):

Genetics and Genomic Medicine Centre, NeuroGen Healthcare, NeuroGen Healthcare
Classification: Likely pathogenic for Mosaic variegated aneuploidy syndrome 1. Last evaluated: 2021-07-18. Review status: criteria provided, single submitter. Criteria: Submitter's publication. Collection method: clinical testing. Allele origin: unknown. Affected: no.

Labcorp Genetics (formerly Invitae), Labcorp
Classification: Pathogenic for Mosaic variegated aneuploidy syndrome 1. Last evaluated: 2019-05-12. Review status: criteria provided, single submitter. Criteria: Invitae Variant Classification Sherloc (09022015). Collection method: clinical testing. Allele origin: germline.
Comment: Loss-of-function variants in BUB1B are known to be pathogenic (PMID: 15475955, 21190457). This variant has not been reported in the literature in individuals with BUB1B-related conditions. This variant is not present in population databases (ExAC no frequency). This sequence change creates a premature translational stop signal (p.Arg199*) in the BUB1B gene. It is expected to result in an absent or disrupted protein product. For these reasons, this variant has been classified as Pathogenic.

Literature cited by the submitters: PubMed 15475955 (cited by Labcorp Genetics (formerly Invitae), Labcorp); PubMed 21190457 (cited by Labcorp Genetics (formerly Invitae), Labcorp).